The following is an entry in ClinVar:

NM_001371986.1(UNC80):c.9274G>A (p.Asp3092Asn)

Gene: UNC80 (unc-80 subunit of NALCN channel complex; plus strand). Cytogenetic location: 2q34.
Variant type: single nucleotide variant.
Coding change: c.9274G>A on transcript NM_001371986.1 (MANE Select); coding-DNA position 9274, G replaced by A.
Protein change: p.Asp3092Asn; replaces aspartic acid 3092 with asparagine.
Molecular consequence: missense variant. On other transcripts: intron variant (1).
Genome position (GRCh38, 1-based): chr2:209,984,872, G>A. VCF-style: chr2-209984872-G-A. GRCh37 (hg19) VCF-style: chr2-210849596-G-A.
Other names: c.9076G>A, p.Asp3026Asn (NM_032504.2); c.9044+2555G>A (NM_182587.4); short protein forms D3026N, D3092N.
Identifiers: ClinVar variation 1028962 (VCV001028962.1), dbSNP rs1467565446, ClinGen allele CA350415140.

ClinVar aggregate classification (germline): Uncertain significance (1 of 4 stars; one submission).

Conditions:
Hypotonia, infantile, with psychomotor retardation and characteristic facies 2 (IHPRF2). Also called: UNC80 Deficiency. Identifiers: Orphanet 371364, Orphanet 700333, MedGen C4225203, MONDO:0014777, OMIM 616801.

Allele frequency attached by ClinVar (database versions not stated): gnomAD 0.00001.
gnomAD v4.1: 7 of 1,547,824 alleles (0.00045%); highest among the groups gnomAD compares: African/African-American, 0.0014%; no homozygotes.

Submission:

Baylor Genetics
Classification: Uncertain significance for Hypotonia, infantile, with psychomotor retardation and characteristic facies 2. Last evaluated: 2019-10-07. Review status: criteria provided, single submitter. Criteria: ACMG Guidelines, 2015. Collection method: clinical testing. Allele origin: unknown. Affected: yes.
Comment: This variant was determined to be of uncertain significance according to ACMG Guidelines, 2015 [PMID:25741868].